The following is an entry in ClinVar:

NM_005529.7(HSPG2):c.1078+1G>A

Gene: HSPG2 (heparan sulfate proteoglycan 2; minus strand). Cytogenetic location: 1p36.12.
Variant type: single nucleotide variant.
Coding change: c.1078+1G>A on transcript NM_005529.7 (MANE Select); the canonical splice donor site of the intron after coding-DNA position 1078, G replaced by A.
Molecular consequence: splice donor variant.
Genome position (GRCh38, 1-based): chr1:21,887,214, C>T on the plus strand (G>A on the coding strand, the complement: HSPG2 is on the minus strand). VCF-style: chr1-21887214-C-T. GRCh37 (hg19) VCF-style: chr1-22213707-C-T.
Other names: c.1078+1G>A (NM_001291860.2).
Identifiers: ClinVar variation 3714381 (VCV003714381.2).

ClinVar aggregate classification (germline): Likely pathogenic (1 of 4 stars; one submission).

gnomAD v4.1: 5 of 1,610,470 alleles (0.00031%); highest among the groups gnomAD compares: Admixed American, 0.0017%; no homozygotes.

Submission:

Labcorp Genetics (formerly Invitae), Labcorp
Classification: Likely pathogenic. Last evaluated: 2024-10-07. Review status: criteria provided, single submitter. Criteria: Invitae Variant Classification Sherloc (09022015). Collection method: clinical testing. Allele origin: germline.
Comment: This sequence change affects a donor splice site in intron 9 of the HSPG2 gene. It is expected to disrupt RNA splicing. Variants that disrupt the donor or acceptor splice site typically lead to a loss of protein function (PMID: 16199547), and loss-of-function variants in HSPG2 are known to be pathogenic (PMID: 11279527, 16927315, 20542149, 23836246). This variant is not present in population databases (gnomAD no frequency). This variant has not been reported in the literature in individuals affected with HSPG2-related conditions. Algorithms developed to predict the effect of sequence changes on RNA splicing suggest that this variant may disrupt the consensus splice site. In summary, the currently available evidence indicates that the variant is pathogenic, but additional data are needed to prove that conclusively. Therefore, this variant has been classified as Likely Pathogenic.

Literature cited by the submitters: PubMed 16199547; PubMed 11279527; PubMed 16927315; PubMed 20542149; PubMed 23836246.